The following is an entry in ClinVar:

NM_006231.4(POLE):c.3211G>A (p.Asp1071Asn)

Gene: POLE (DNA polymerase epsilon, catalytic subunit; minus strand). Cytogenetic location: 12q24.33.
Variant type: single nucleotide variant.
Coding change: c.3211G>A on transcript NM_006231.4 (MANE Select); coding-DNA position 3211, G replaced by A.
Protein change: p.Asp1071Asn; replaces aspartic acid 1071 with asparagine.
Molecular consequence: missense variant.
Genome position (GRCh38, 1-based): chr12:132,659,359, C>T on the plus strand (G>A on the coding strand, the complement: POLE is on the minus strand). VCF-style: chr12-132659359-C-T. GRCh37 (hg19) VCF-style: chr12-133235945-C-T.
Other names: short protein forms D1071N.
Identifiers: ClinVar variation 4141216 (VCV004141216.1).

ClinVar aggregate classification (germline): Uncertain significance (1 of 4 stars; one submission).

Conditions:
Hereditary cancer-predisposing syndrome. Also called: Hereditary neoplastic syndrome; Neoplastic Syndromes, Hereditary; Tumor predisposition; Hereditary Cancer Syndrome. Identifiers: Orphanet 140162, MedGen C0027672, MeSH D009386, MONDO:0015356.

Submission:

Ambry Genetics
Classification: Uncertain significance for Hereditary cancer-predisposing syndrome. Last evaluated: 2025-08-20. Review status: criteria provided, single submitter. Criteria: Ambry Variant Classification Scheme 2023. Collection method: clinical testing. Allele origin: germline.
Comment: The p.D1071N variant (also known as c.3211G>A), located in coding exon 26 of the POLE gene, results from a G to A substitution at nucleotide position 3211. The aspartic acid at codon 1071 is replaced by asparagine, an amino acid with highly similar properties. This amino acid position is conserved. In addition, this alteration is predicted to be tolerated by in silico analysis. Based on the available evidence, the clinical significance of this variant remains unclear.